The following is an entry in ClinVar:

NM_022489.4(INF2):c.2755C>G (p.Leu919Val)

Gene: INF2 (inverted formin 2; plus strand). Cytogenetic location: 14q32.33.
Variant type: single nucleotide variant.
Coding change: c.2755C>G on transcript NM_022489.4 (MANE Select); coding-DNA position 2755, C replaced by G.
Protein change: p.Leu919Val; replaces leucine 919 with valine.
Molecular consequence: missense variant.
Genome position (GRCh38, 1-based): chr14:104,712,972, C>G. VCF-style: chr14-104712972-C-G. GRCh37 (hg19) VCF-style: chr14-105179309-C-G.
Other names: c.2755C>G, p.Leu919Val (NM_001031714.4); short protein forms L919V.
Identifiers: ClinVar variation 540045 (VCV000540045.17), dbSNP rs377145979, ClinGen allele CA7373055.

ClinVar aggregate classification (germline): Conflicting classifications of pathogenicity. Review status: criteria provided, conflicting classifications (1 of 4 stars). 4 submissions from 4 submitters: Uncertain significance (3); Likely benign (1). Last evaluated 2026-07-08.

Conditions:
INF2-related disorder. Also called: INF2-related condition.
Inborn genetic diseases. Identifiers: MedGen C0950123, MeSH D030342.
Focal segmental glomerulosclerosis 5 (FSGS5). Identifiers: Orphanet 656, MedGen C2750475, MONDO:0013191, OMIM 613237.
Charcot-Marie-Tooth disease dominant intermediate E. Also called: CHARCOT-MARIE-TOOTH NEUROPATHY WITH FOCAL SEGMENTAL GLOMERULONEPHRITIS. Identifiers: Orphanet 93114, MedGen C4302667, MONDO:0013758, OMIM 614455.

Allele frequency attached by ClinVar (database versions not stated): ExAC 0.00003; gnomAD 0.00006; TOPMed 0.00006; ESP Exome Variant Server 0.00008.
gnomAD v4.1: 88 of 1,612,470 alleles (0.0055%); highest among the groups gnomAD compares: Non-Finnish European, 0.0072%; no homozygotes.

Submissions (4):

PreventionGenetics, part of Exact Sciences
Classification: Uncertain significance for INF2-related condition. Last evaluated: 2026-07-08. Review status: criteria provided, single submitter. Criteria: ACMG Guidelines, 2015. Collection method: clinical testing. Allele origin: germline.
Comment: The INF2 c.2755C>G variant is predicted to result in the amino acid substitution p.Leu919Val. To our knowledge, this variant has not been reported in the literature. This variant is reported in 0.0097% of alleles in individuals of Ashkenazi Jewish descent in gnomAD. At this time, the clinical significance of this variant is uncertain due to the absence of conclusive functional and genetic evidence.

Labcorp Genetics (formerly Invitae), Labcorp
Classification: Likely benign for Charcot-Marie-Tooth disease dominant intermediate E; Focal segmental glomerulosclerosis 5. Last evaluated: 2025-10-05. Review status: criteria provided, single submitter. Criteria: Invitae Variant Classification Sherloc (09022015). Collection method: clinical testing. Allele origin: germline.

Fulgent Genetics
Classification: Uncertain significance for Focal segmental glomerulosclerosis 5; Charcot-Marie-Tooth disease dominant intermediate E. Last evaluated: 2024-01-08. Review status: criteria provided, single submitter. Criteria: ACMG Guidelines, 2015. Collection method: clinical testing. Allele origin: germline.

Ambry Genetics
Classification: Uncertain significance for Inborn genetic diseases. Last evaluated: 2023-03-23. Review status: criteria provided, single submitter. Criteria: Ambry Variant Classification Scheme 2023. Collection method: clinical testing. Allele origin: germline.